The following is an entry in ClinVar:

ClinVar aggregate classification (germline): Likely benign. Review status: criteria provided, multiple submitters, no conflicts (2 of 4 stars). 2 submissions from 2 submitters: Likely benign (2). Last evaluated 2025-03-05.

gnomAD v4.1: 41 of 1,613,738 alleles (0.0025%); highest among the groups gnomAD compares: Middle Eastern, 0.05%; no homozygotes.

Submissions (2):

Women's Health and Genetics/Laboratory Corporation of America, LabCorp
Classification: Likely benign. Last evaluated: 2025-03-05. Review status: criteria provided, single submitter. Criteria: LabCorp Variant Classification Summary - May 2015. Collection method: clinical testing. Allele origin: germline.
Comment: Variant summary: SHOX c.597C>T alters a non-conserved nucleotide resulting in a synonymous change. Consensus agreement among computational tools predict no significant impact on normal splicing. However, these predictions have yet to be confirmed by functional studies. The variant allele was found at a frequency of 4e-05 in 251160 control chromosomes. This frequency is not significantly higher than estimated for a pathogenic variant in SHOX causing Langer Mesomelic Dysplasia (4e-05 vs 0.0022), allowing no conclusion about variant significance. To our knowledge, no occurrence of c.597C>T in individuals affected with Langer Mesomelic Dysplasia and no experimental evidence demonstrating its impact on protein function have been reported. No submitters have cited clinical-significance assessments for this variant to ClinVar. Based on the evidence outlined above, the variant was classified as likely benign.

Blueprint Genetics
Classification: Likely benign. Last evaluated: 2024-11-28. Review status: criteria provided, single submitter. Criteria: ACMG Guidelines, 2015. Collection method: clinical testing. Allele origin: germline.

NM_000451.4(SHOX):c.597C>T (p.Tyr199=)

Gene: SHOX (SHOX homeobox; plus strand). Cytogenetic location: Xp22.33.
Variant type: single nucleotide variant.
Coding change: c.597C>T on transcript NM_000451.4 (MANE Select); coding-DNA position 597, C replaced by T.
Protein change: p.Tyr199=; no amino-acid change (tyrosine 199 retained).
Molecular consequence: synonymous variant.
Genome position (GRCh38, 1-based): chrX:641,051, C>T. VCF-style: chrX-641051-C-T. GRCh37 (hg19) VCF-style: chrX-601786-C-T.
Other names: c.597C>T, p.Tyr199= (NM_006883.2).
Identifiers: ClinVar variation 3895833 (VCV003895833.2).
Genomic context (GRCh38, chrX:641,051, plus strand): 5'-GGACACAGGCGTCATCTTGGGCACAGCCAACCACCTAGACGCCTGCCGAGTGGCACCCTA[C>T]GTCAACATGGGAGCCTTACGGATGCCTTTCCAACAGGTAGCTCACTTTTTCTTCCTCTGA-3'
Protein context (NP_000442.1, residues 189-209): NHLDACRVAP[Tyr199=]VNMGALRMPF